The following is an entry in ClinVar:

ClinVar aggregate classification (germline): Likely pathogenic (1 of 4 stars; one submission).

Submission:

Labcorp Genetics (formerly Invitae), Labcorp
Classification: Likely pathogenic. Last evaluated: 2025-03-27. Review status: criteria provided, single submitter. Criteria: Invitae Variant Classification Sherloc (09022015). Collection method: clinical testing. Allele origin: germline.
Comment: This sequence change affects an acceptor splice site in intron 7 of the AEBP1 gene. It is expected to disrupt RNA splicing. Variants that disrupt the donor or acceptor splice site typically lead to a loss of protein function (PMID: 16199547), and loss-of-function variants in AEBP1 are known to be pathogenic (PMID: 29606302). This variant is not present in population databases (gnomAD no frequency). This variant has not been reported in the literature in individuals affected with AEBP1-related conditions. Algorithms developed to predict the effect of sequence changes on RNA splicing suggest that this variant may disrupt the consensus splice site. In summary, the currently available evidence indicates that the variant is pathogenic, but additional data are needed to prove that conclusively. Therefore, this variant has been classified as Likely Pathogenic.

Literature cited by the submitters: PubMed 16199547; PubMed 29606302.

NM_001129.5(AEBP1):c.1019-2A>G

Gene: AEBP1 (AE binding protein 1; plus strand). Cytogenetic location: 7p13.
Variant type: single nucleotide variant.
Coding change: c.1019-2A>G on transcript NM_001129.5 (MANE Select); the canonical splice acceptor site of the intron before coding-DNA position 1019, A replaced by G.
Molecular consequence: splice acceptor variant.
Genome position (GRCh38, 1-based): chr7:44,109,105, A>G. VCF-style: chr7-44109105-A-G. GRCh37 (hg19) VCF-style: chr7-44148704-A-G.
Identifiers: ClinVar variation 4715599 (VCV004715599.1).
Genomic context (GRCh38, chr7:44,109,105, plus strand): 5'-CCCACATGGTCCTCAAAGCCCAGAGCCAGGCTGACTGGCCCCTCCTACCTTGCACCTTCC[A>G]GAGAAACCCAAAAAGGAGGACAGCAGCCCCAAGGAGGAGACCGACAAGTGGGCAGTGGAG-3'